The following is an entry in ClinVar:

ClinVar aggregate classification (germline): Likely benign (0 of 4 stars; one submission).

Conditions:
HYCC1-related disorder. Also called: HYCC1-related condition.

Allele frequency attached by ClinVar (database versions not stated): gnomAD exomes below 0.00001; ExAC 0.00001.
gnomAD v4.1: 1 of 1,613,912 alleles (0.000062%); highest among the groups gnomAD compares: Non-Finnish European, 0.000085%; no homozygotes.

Submission:

PreventionGenetics, part of Exact Sciences
Classification: Likely benign for HYCC1-related condition. Last evaluated: 2020-10-20. Review status: no assertion criteria provided. Collection method: clinical testing. Allele origin: germline.
Comment: This variant is classified as likely benign based on ACMG/AMP sequence variant interpretation guidelines (Richards et al. 2015 PMID: 25741868, with internal and published modifications).

NM_032581.4(HYCC1):c.204G>A (p.Glu68=)

Gene: HYCC1 (hyccin PI4KA lipid kinase complex subunit 1; minus strand). Cytogenetic location: 7p15.3.
Variant type: single nucleotide variant.
Coding change: c.204G>A on transcript NM_032581.4 (MANE Select); coding-DNA position 204, G replaced by A.
Protein change: p.Glu68=; no amino-acid change (glutamic acid 68 retained).
Molecular consequence: synonymous variant.
Genome position (GRCh38, 1-based): chr7:22,978,398, C>T on the plus strand (G>A on the coding strand, the complement: HYCC1 is on the minus strand). VCF-style: chr7-22978398-C-T. GRCh37 (hg19) VCF-style: chr7-23018017-C-T.
Other names: c.204G>A, p.Glu68= (NM_001363466.2, NM_001363467.2).
Identifiers: ClinVar variation 3032353 (VCV003032353.2), dbSNP rs761668637, ClinGen allele CA4186073.